The following is an entry in ClinVar:

ClinVar aggregate classification (germline): Conflicting classifications of pathogenicity. Review status: criteria provided, conflicting classifications (1 of 4 stars). 5 submissions from 5 submitters: Pathogenic (1); Likely pathogenic (2); Uncertain significance (1). 1 of the submissions does not count toward it. Last evaluated 2025-12-09.

Conditions:
PTPN11-related disorder. Also called: PTPN11-Related Disorders.
RASopathy. Also called: rasopathies; Noonan spectrum disorder. Identifiers: Orphanet 536391, MedGen C5555857, MONDO:0021060.
Noonan syndrome (NS). Also called: Noonan's syndrome. Identifiers: Orphanet 648, MedGen C0028326, MeSH D009634, MONDO:0018997. Disease mechanism: gain of function.
Noonan syndrome and Noonan-related syndrome. Identifiers: Orphanet 98733, MedGen C5681679, MONDO:0020297.

Submissions (5):

Labcorp Genetics (formerly Invitae), Labcorp
Classification: Uncertain significance for RASopathy. Last evaluated: 2025-12-09. Review status: criteria provided, single submitter. Criteria: Invitae Variant Classification Sherloc (09022015). Collection method: clinical testing. Allele origin: germline.
Comment: This sequence change replaces glutamine, which is neutral and polar, with leucine, which is neutral and non-polar, at codon 510 of the PTPN11 protein (p.Gln510Leu). This variant is not present in population databases (gnomAD no frequency). This missense change has been observed in individual(s) with clinical features of PTPN11-related conditions (PMID: 22131879, 35278234). ClinVar contains an entry for this variant (Variation ID: 981537). Invitae Evidence Modeling of protein sequence and biophysical properties (such as structural, functional, and spatial information, amino acid conservation, physicochemical variation, residue mobility, and thermodynamic stability) indicates that this missense variant is expected to disrupt PTPN11 protein function with a positive predictive value of 95%. In summary, the available evidence is currently insufficient to determine the role of this variant in disease. Therefore, it has been classified as a Variant of Uncertain Significance.

GeneDx
Classification: Pathogenic. Last evaluated: 2025-07-21. Review status: criteria provided, single submitter. Criteria: GeneDx Variant Classification Process June 2021. Collection method: clinical testing. Allele origin: germline. Affected: yes.
Comment: Not observed at significant frequency in large population cohorts (gnomAD); Missense variants in this gene are often considered pathogenic (HGMD); In silico analysis supports that this missense variant has a deleterious effect on protein structure/function; Identified as an acquired variant in a patient with chronic myeloid leukemia (PMID: 29970518); This variant is associated with the following publications: (PMID: 39345464, 35278234, 29970518)

Blueprint Genetics
Classification: Likely pathogenic for PTPN11-related disorders. Last evaluated: 2022-03-14. Review status: criteria provided, single submitter. Criteria: ACMG Guidelines, 2015. Collection method: clinical testing. Allele origin: germline. Affected: yes. Observed: 1 variant allele.

Genome Diagnostics Laboratory, The Hospital for Sick Children
Classification: Likely pathogenic for Noonan syndrome and Noonan-related syndrome. Last evaluated: 2017-04-24. Review status: criteria provided, single submitter. Criteria: ACMG Guidelines, 2015. Collection method: clinical testing. Allele origin: germline. Affected: yes.

Service de Génétique Moléculaire, Hôpital Robert Debré
Classification: Likely pathogenic for Noonan syndrome. Review status: no assertion criteria provided. Collection method: clinical testing. Allele origin: de novo. Affected: yes. Not counted in ClinVar's aggregate classification.

Literature cited by the submitters: PubMed 22131879 (cited by Labcorp Genetics (formerly Invitae), Labcorp); PubMed 35278234 (cited by Labcorp Genetics (formerly Invitae), Labcorp).

NM_002834.5(PTPN11):c.1529A>T (p.Gln510Leu)

Gene: PTPN11 (protein tyrosine phosphatase non-receptor type 11; plus strand). Cytogenetic location: 12q24.13.
Variant type: single nucleotide variant.
Coding change: c.1529A>T on transcript NM_002834.5 (MANE Select); coding-DNA position 1529, A replaced by T.
Protein change: p.Gln510Leu; replaces glutamine 510 with leucine.
Molecular consequence: missense variant.
Genome position (GRCh38, 1-based): chr12:112,489,105, A>T. VCF-style: chr12-112489105-A-T. GRCh37 (hg19) VCF-style: chr12-112926909-A-T.
Other names: c.1541A>T, p.Gln514Leu (NM_001330437.2); c.1526A>T, p.Gln509Leu (NM_001374625.1); short protein forms Q509L, Q510L, Q514L.
Identifiers: ClinVar variation 981537 (VCV000981537.7), dbSNP rs121918470, ClinGen allele CA386779920.
Genomic context (GRCh38, chr12:112,489,105, plus strand): 5'-TTCCCAAAACCATCCAGATGGTGCGGTCTCAGAGGTCAGGGATGGTCCAGACAGAAGCAC[A>T]GTACCGATTTATCTATATGGCGGTCCAGCATTATATTGAAACACTACAGCGCAGGATTGA-3'
Protein context (NP_002825.3, residues 500-520): QRSGMVQTEA[Gln510Leu]YRFIYMAVQH